The following is an entry in ClinVar:

NM_000478.6(ALPL):c.598G>T (p.Gly200Cys)

Gene: ALPL (alkaline phosphatase, biomineralization associated; plus strand). Cytogenetic location: 1p36.12.
Variant type: single nucleotide variant.
Coding change: c.598G>T on transcript NM_000478.6 (MANE Select); coding-DNA position 598, G replaced by T.
Protein change: p.Gly200Cys; replaces glycine 200 with cysteine.
Molecular consequence: missense variant.
Genome position (GRCh38, 1-based): chr1:21,564,166, G>T. VCF-style: chr1-21564166-G-T. GRCh37 (hg19) VCF-style: chr1-21890659-G-T.
Other names: c.433G>T, p.Gly145Cys (NM_001127501.4); c.367G>T, p.Gly123Cys (NM_001177520.3); c.598G>T, p.Gly200Cys (NM_001369803.2, NM_001369804.2, NM_001369805.2); short protein forms G123C, G145C, G200C.
Identifiers: ClinVar variation 2012638 (VCV002012638.5), dbSNP rs1570276921, ClinGen allele CA338878239.

ClinVar aggregate classification (germline): Uncertain significance. Review status: criteria provided, multiple submitters, no conflicts (2 of 4 stars). 2 submissions from 2 submitters: Uncertain significance (2). Last evaluated 2022-07-01.

Submissions (2):

Labcorp Genetics (formerly Invitae), Labcorp
Classification: Uncertain significance. Last evaluated: 2022-07-01. Review status: criteria provided, single submitter. Criteria: Invitae Variant Classification Sherloc (09022015). Collection method: clinical testing. Allele origin: germline.
Comment: In summary, the available evidence is currently insufficient to determine the role of this variant in disease. Therefore, it has been classified as a Variant of Uncertain Significance. Advanced modeling of protein sequence and biophysical properties (such as structural, functional, and spatial information, amino acid conservation, physicochemical variation, residue mobility, and thermodynamic stability) performed at Invitae indicates that this missense variant is expected to disrupt ALPL protein function. This variant has not been reported in the literature in individuals affected with ALPL-related conditions. This variant is not present in population databases (gnomAD no frequency). This sequence change replaces glycine, which is neutral and non-polar, with cysteine, which is neutral and slightly polar, at codon 200 of the ALPL protein (p.Gly200Cys).

Blueprint Genetics
Classification: Uncertain significance. Last evaluated: 2021-08-03. Review status: criteria provided, single submitter. Criteria: ACMG Guidelines, 2015. Collection method: clinical testing. Allele origin: germline.